The following is an entry in ClinVar:

NM_001845.6(COL4A1):c.2081C>T (p.Pro694Leu)

Gene: COL4A1 (collagen type IV alpha 1 chain; minus strand). Cytogenetic location: 13q34.
Variant type: single nucleotide variant.
Coding change: c.2081C>T on transcript NM_001845.6 (MANE Select); coding-DNA position 2081, C replaced by T.
Protein change: p.Pro694Leu; replaces proline 694 with leucine.
Molecular consequence: missense variant.
Genome position (GRCh38, 1-based): chr13:110,183,007, G>A on the plus strand (C>T on the coding strand, the complement: COL4A1 is on the minus strand). VCF-style: chr13-110183007-G-A. GRCh37 (hg19) VCF-style: chr13-110835354-G-A.
Other names: c.2081C>T (NM_001845.4, NM_001845.5); short protein forms P694L.
Identifiers: ClinVar variation 2048051 (VCV002048051.11), dbSNP rs1333599538, ClinGen allele CA388669069.
Genomic context (GRCh38, chr13:110,183,007, plus strand): 5'-GAAGTCACAGGTGGACCAAAGGCTCGGGTCCGTCTGGCAGGGTTACCTTTGGGGCCGGGG[G>A]GCCCTGGAAATCCAATGCCTGGCTGGCCCACAGCGCCCTTCTCTCCTGGCAGGCCTGGCC-3'
Protein context (NP_001836.3, residues 684-704): VGQPGIGFPG[Pro694Leu]PGPKGVDGLP

ClinVar aggregate classification (germline): Uncertain significance. Review status: criteria provided, multiple submitters, no conflicts (2 of 4 stars). 5 submissions from 5 submitters: Uncertain significance (4). 1 of the submissions does not count toward it. Last evaluated 2025-11-05.

Conditions:
COL4A1-related disorder. Also called: COL4A1-related disorders; COL4A1-related condition. Identifiers: MedGen CN376119, MONDO:0800461.
Inborn genetic diseases. Identifiers: MedGen C0950123, MeSH D030342.

gnomAD v4.1: 2 of 1,612,754 alleles (0.00012%); highest among the groups gnomAD compares: Admixed American, 0.0017%; no homozygotes.

Submissions (5):

Ambry Genetics
Classification: Uncertain significance for Inborn genetic diseases. Last evaluated: 2025-11-05. Review status: criteria provided, single submitter. Criteria: Ambry Variant Classification Scheme 2023. Collection method: clinical testing. Allele origin: germline.
Comment: The c.2081C>T (p.P694L) alteration is located in exon 28 (coding exon 28) of the COL4A1 gene. This alteration results from a C to T substitution at nucleotide position 2081, causing the proline (P) at amino acid position 694 to be replaced by a leucine (L). Based on data from gnomAD, the T allele has an overall frequency of <0.001% (1/245404) total alleles studied. The highest observed frequency was 0.003% (1/34336) of Latino alleles. Based on insufficient or conflicting evidence, the clinical significance of this alteration remains unclear.

Labcorp Genetics (formerly Invitae), Labcorp
Classification: Uncertain significance. Last evaluated: 2025-08-29. Review status: criteria provided, single submitter. Criteria: Invitae Variant Classification Sherloc (09022015). Collection method: clinical testing. Allele origin: germline.
Comment: This sequence change replaces proline, which is neutral and non-polar, with leucine, which is neutral and non-polar, at codon 694 of the COL4A1 protein (p.Pro694Leu). This variant is present in population databases (no rsID available, gnomAD 0.003%). This variant has not been reported in the literature in individuals affected with COL4A1-related conditions. ClinVar contains an entry for this variant (Variation ID: 2048051). Invitae Evidence Modeling of protein sequence and biophysical properties (such as structural, functional, and spatial information, amino acid conservation, physicochemical variation, residue mobility, and thermodynamic stability) indicates that this missense variant is not expected to disrupt COL4A1 protein function with a negative predictive value of 95%. In summary, the available evidence is currently insufficient to determine the role of this variant in disease. Therefore, it has been classified as a Variant of Uncertain Significance.

Revvity Omics, Revvity
Classification: Uncertain significance. Last evaluated: 2023-04-03. Review status: criteria provided, single submitter. Criteria: ACMG Guidelines, 2015. Collection method: clinical testing. Allele origin: germline.

GeneDx
Classification: Uncertain significance. Last evaluated: 2023-03-28. Review status: criteria provided, single submitter. Criteria: GeneDx Variant Classification Process June 2021. Collection method: clinical testing. Allele origin: germline. Affected: yes.
Comment: Not observed at significant frequency in large population cohorts (gnomAD); In silico analysis supports that this missense variant has a deleterious effect on protein structure/function; Has not been previously published as pathogenic or benign to our knowledge; Occurs in the triple helical domain at the X position in the canonical Gly-X-Y repeat; although this variant may have an effect on normal protein folding and function, missense substitution at the X position is not a common mechanism of disease

PreventionGenetics, part of Exact Sciences
Classification: Uncertain significance for COL4A1-related condition. Last evaluated: 2024-02-07. Review status: no assertion criteria provided. Collection method: clinical testing. Allele origin: germline. Not counted in ClinVar's aggregate classification.
Comment: The COL4A1 c.2081C>T variant is predicted to result in the amino acid substitution p.Pro694Leu. To our knowledge, this variant has not been reported in the literature. This variant is reported in 0.0029% of alleles in individuals of Latino descent in gnomAD. At this time, the clinical significance of this variant is uncertain due to the absence of conclusive functional and genetic evidence.